The following is an entry in ClinVar:

ClinVar aggregate classification (germline): Pathogenic (1 of 4 stars; one submission).

Conditions:
Inborn genetic diseases. Identifiers: MedGen C0950123, MeSH D030342.

Allele frequency attached by ClinVar (database versions not stated): gnomAD exomes below 0.00001.
gnomAD v4.1: 1 of 1,611,598 alleles (0.000062%); highest among the groups gnomAD compares: Non-Finnish European, 0.000085%; no homozygotes.

Submission:

Ambry Genetics
Classification: Pathogenic for Inborn genetic diseases. Last evaluated: 2022-09-02. Review status: criteria provided, single submitter. Criteria: Ambry Variant Classification Scheme 2023. Collection method: clinical testing. Allele origin: germline.
Comment: The c.2711C>G (p.S904*) alteration, located in exon 8 (coding exon 5) of the ZNF142 gene, consists of a C to G substitution at nucleotide position 2711. This changes the amino acid from a serine (S) to a stop codon at amino acid position 904. This alteration is expected to result in loss of function by premature protein truncation or nonsense-mediated mRNA decay. This variant was not reported in population-based cohorts in the Genome Aggregation Database (gnomAD). Based on the available evidence, this alteration is classified as pathogenic.

NM_001379659.1(ZNF142):c.3311C>G (p.Ser1104Ter)

Gene: ZNF142 (zinc finger protein 142; minus strand). Cytogenetic location: 2q35.
Variant type: single nucleotide variant.
Coding change: c.3311C>G on transcript NM_001379659.1 (MANE Select); coding-DNA position 3311, C replaced by G.
Protein change: p.Ser1104Ter; replaces serine 1104 with a stop codon.
Molecular consequence: nonsense.
Genome position (GRCh38, 1-based): chr2:218,643,805, G>C on the plus strand (C>G on the coding strand, the complement: ZNF142 is on the minus strand). VCF-style: chr2-218643805-G-C. GRCh37 (hg19) VCF-style: chr2-219508528-G-C.
Other names: c.2711C>G, p.Ser904Ter (NM_001105537.5, NM_001379662.1, NM_001366291.3); c.3311C>G, p.Ser1104Ter (NM_001379660.1, NM_001379661.1, NM_001366290.3); c.2222C>G, p.Ser741Ter (NM_001366287.3, NM_001366288.3, NM_001366289.3); short protein forms S741*, S1104*, S904*.
Identifiers: ClinVar variation 2231946 (VCV002231946.2), dbSNP rs1697477844, ClinGen allele CA350591715.